The following is an entry in ClinVar:

NM_205768.3(ZBTB18):c.1550T>C (p.Val517Ala)

Gene: ZBTB18 (zinc finger and BTB domain containing 18; plus strand). Cytogenetic location: 1q44.
Variant type: single nucleotide variant.
Coding change: c.1550T>C on transcript NM_205768.3 (MANE Select); coding-DNA position 1550, T replaced by C.
Protein change: p.Val517Ala; replaces valine 517 with alanine.
Molecular consequence: missense variant.
Genome position (GRCh38, 1-based): chr1:244,055,324, T>C. VCF-style: chr1-244055324-T-C. GRCh37 (hg19) VCF-style: chr1-244218626-T-C.
Other names: c.1523T>C, p.Val508Ala (NM_001278196.2, NM_006352.5); short protein forms V508A, V517A.
Identifiers: ClinVar variation 989254 (VCV000989254.4), dbSNP rs1328449077, ClinGen allele CA345675390.

ClinVar aggregate classification (germline): Uncertain significance (1 of 4 stars; one submission).

Conditions:
ZBTB18-related intellectual disability.

Allele frequency attached by ClinVar (database versions not stated): TOPMed below 0.00001; gnomAD 0.00001; gnomAD exomes 0.00001.

Submission:

Illumina Laboratory Services, Illumina
Classification: Uncertain significance for ZBTB18-related intellectual disability. Last evaluated: 2020-09-04. Review status: criteria provided, single submitter. Criteria: ICSLVariantClassificationCriteria RUGD 01 April 2020. Collection method: clinical testing. Allele origin: unknown.
Comment: The ZBTB18 c.1550T>C (p.Val517Ala) variant is a missense variant. A literature search was performed for the gene, cDNA change and amino acid change. No publications were found based on this search. This variant is not found in the Genome Aggregation Database in a region of good sequence coverage so is presumed rare. The p.Val517Ala variant is located in exon 2 but lies external to the four ZNF C2H2 domains in which the majority of pathogenic missense variants have been found to cluster (van der Schoot et al. 2018). Based on the limited evidence the p.Val517Ala variant is classified as a variant of uncertain significance for ZBTB18-related intellectual disability.

Literature cited by the submitters: PubMed 29573576.